The following is an entry in ClinVar:

NM_003289.4(TPM2):c.719A>G (p.Glu240Gly)

Gene: TPM2 (tropomyosin 2; minus strand). Cytogenetic location: 9p13.3.
Variant type: single nucleotide variant.
Coding change: c.719A>G on transcript NM_003289.4 (MANE Select); coding-DNA position 719, A replaced by G.
Protein change: p.Glu240Gly; replaces glutamic acid 240 with glycine.
Molecular consequence: missense variant.
Genome position (GRCh38, 1-based): chr9:35,684,299, T>C on the plus strand (A>G on the coding strand, the complement: TPM2 is on the minus strand). VCF-style: chr9-35684299-T-C. GRCh37 (hg19) VCF-style: chr9-35684296-T-C.
Other names: c.719A>G, p.Glu240Gly (NM_001301226.2, NM_001301227.2, NM_213674.1); short protein forms E240G.
Identifiers: ClinVar variation 2005137 (VCV002005137.4), dbSNP rs756671460, ClinGen allele CA5047182.

ClinVar aggregate classification (germline): Uncertain significance (1 of 4 stars; one submission).

Conditions:
Arthrogryposis, distal, type 1A. Also called: ARTHROGRYPOSIS MULTIPLEX CONGENITA, DISTAL, TYPE I. Identifiers: Orphanet 1146, MedGen C6022280, MONDO:0007157, OMIM 108120.

Allele frequency attached by ClinVar (database versions not stated): gnomAD exomes below 0.00001; ExAC 0.00001.
gnomAD v4.1: 1 of 1,614,188 alleles (0.000062%); highest among the groups gnomAD compares: Non-Finnish European, 0.000085%; no homozygotes.

Submission:

Labcorp Genetics (formerly Invitae), Labcorp
Classification: Uncertain significance for Arthrogryposis, distal, type 1A. Last evaluated: 2022-06-20. Review status: criteria provided, single submitter. Criteria: Invitae Variant Classification Sherloc (09022015). Collection method: clinical testing. Allele origin: germline.
Comment: In summary, the available evidence is currently insufficient to determine the role of this variant in disease. Therefore, it has been classified as a Variant of Uncertain Significance. Algorithms developed to predict the effect of missense changes on protein structure and function are either unavailable or do not agree on the potential impact of this missense change (SIFT: "Deleterious"; PolyPhen-2: "Probably Damaging"; Align-GVGD: "Class C0"). This variant has not been reported in the literature in individuals affected with TPM2-related conditions. This variant is present in population databases (rs756671460, gnomAD 0.0009%). This sequence change replaces glutamic acid, which is acidic and polar, with glycine, which is neutral and non-polar, at codon 240 of the TPM2 protein (p.Glu240Gly).